The following is an entry in ClinVar:

ClinVar aggregate classification (germline): Uncertain significance. Review status: criteria provided, multiple submitters, no conflicts (2 of 4 stars). 2 submissions from 2 submitters: Uncertain significance (2). Last evaluated 2022-07-19.

Allele frequency attached by ClinVar (database versions not stated): gnomAD exomes 0.00002 and 0.00006; ExAC 0.00003; TOPMed 0.00003; gnomAD 0.00005 and 0.00006; ESP Exome Variant Server 0.00008.

Submissions (2):

Labcorp Genetics (formerly Invitae), Labcorp
Classification: Uncertain significance. Last evaluated: 2022-07-19. Review status: criteria provided, single submitter. Criteria: Invitae Variant Classification Sherloc (09022015). Collection method: clinical testing. Allele origin: germline.
Comment: This sequence change replaces valine, which is neutral and non-polar, with alanine, which is neutral and non-polar, at codon 153 of the MARVELD2 protein (p.Val153Ala). This variant is present in population databases (rs372725752, gnomAD 0.005%). In summary, the available evidence is currently insufficient to determine the role of this variant in disease. Therefore, it has been classified as a Variant of Uncertain Significance. Algorithms developed to predict the effect of missense changes on protein structure and function (SIFT, PolyPhen-2, Align-GVGD) all suggest that this variant is likely to be tolerated. ClinVar contains an entry for this variant (Variation ID: 1367727). This variant has not been reported in the literature in individuals affected with MARVELD2-related conditions.

GeneDx
Classification: Uncertain significance. Last evaluated: 2022-07-12. Review status: criteria provided, single submitter. Criteria: GeneDx Variant Classification Process June 2021. Collection method: clinical testing. Allele origin: germline. Affected: yes.
Comment: Not observed at significant frequency in large population cohorts (gnomAD); In silico analysis supports that this missense variant does not alter protein structure/function; Has not been previously published as pathogenic or benign to our knowledge

NM_001038603.3(MARVELD2):c.458T>C (p.Val153Ala)

Gene: MARVELD2 (MARVEL domain containing 2; plus strand). Cytogenetic location: 5q13.2.
Variant type: single nucleotide variant.
Coding change: c.458T>C on transcript NM_001038603.3 (MANE Select); coding-DNA position 458, T replaced by C.
Protein change: p.Val153Ala; replaces valine 153 with alanine.
Molecular consequence: missense variant.
Genome position (GRCh38, 1-based): chr5:69,419,843, T>C. VCF-style: chr5-69419843-T-C. GRCh37 (hg19) VCF-style: chr5-68715670-T-C.
Other names: c.458T>C, p.Val153Ala (NM_001244734.2); short protein forms V153A.
Identifiers: ClinVar variation 1367727 (VCV001367727.7), dbSNP rs372725752, ClinGen allele CA3294052.